The following is an entry in ClinVar:

ClinVar aggregate classification (germline): Likely benign. Review status: criteria provided, single submitter (1 of 4 stars). 2 submissions from 2 submitters: Likely benign (1). 1 of the submissions does not count toward it. Last evaluated 2024-11-05.

Conditions:
HRG-related disorder. Also called: HRG-related condition.

Allele frequency attached by ClinVar (database versions not stated): gnomAD exomes 0.00003; ExAC 0.00012; 1000 Genomes Project 30x 0.00016; 1000 Genomes Project 0.00020; gnomAD 0.00034; TOPMed 0.00045; ESP Exome Variant Server 0.00062.
gnomAD v4.1: 100 of 1,613,806 alleles (0.0062%); highest among the groups gnomAD compares: African/African-American, 0.12%; no homozygotes.

Submissions (2):

Women's Health and Genetics/Laboratory Corporation of America, LabCorp
Classification: Likely benign. Last evaluated: 2024-11-05. Review status: criteria provided, single submitter. Criteria: LabCorp Variant Classification Summary - May 2015. Collection method: clinical testing. Allele origin: germline.
Comment: Variant summary: HRG c.1368A>G results in a synonymous change. Consensus agreement among computation tools predict no significant impact on normal splicing. However, these predictions have yet to be confirmed by functional studies. The variant allele was found at a frequency of 8.8e-05 in 251024 control chromosomes. This frequency is not significantly higher than estimated for a pathogenic variant in HRG causing Hereditary Thrombophilia Due To Congenital Histidine-Rich (poly-L) Glycoprotein Deficiency, allowing no conclusion about variant significance. To our knowledge, no occurrence of c.1368A>G in individuals affected with Hereditary Thrombophilia Due To Congenital Histidine-Rich (poly-L) Glycoprotein Deficiency and no experimental evidence demonstrating its impact on protein function have been reported. ClinVar contains an entry for this variant (Variation ID: 3033259). Based on the evidence outlined above, the variant was classified as likely benign.

PreventionGenetics, part of Exact Sciences
Classification: Likely benign for HRG-related condition. Last evaluated: 2019-06-18. Review status: no assertion criteria provided. Collection method: clinical testing. Allele origin: germline. Not counted in ClinVar's aggregate classification.
Comment: This variant is classified as likely benign based on ACMG/AMP sequence variant interpretation guidelines (Richards et al. 2015 PMID: 25741868, with internal and published modifications).

NM_000412.5(HRG):c.1368A>G (p.Gly456=)

Gene: HRG (histidine rich glycoprotein; plus strand). Cytogenetic location: 3q27.3.
Variant type: single nucleotide variant.
Coding change: c.1368A>G on transcript NM_000412.5 (MANE Select); coding-DNA position 1368, A replaced by G.
Protein change: p.Gly456=; no amino-acid change (glycine 456 retained).
Molecular consequence: synonymous variant.
Genome position (GRCh38, 1-based): chr3:186,677,673, A>G. VCF-style: chr3-186677673-A-G. GRCh37 (hg19) VCF-style: chr3-186395462-A-G.
Identifiers: ClinVar variation 3033259 (VCV003033259.3), dbSNP rs144288090, ClinGen allele CA2745927.
Genomic context (GRCh38, chr3:186,677,673, plus strand): 5'-GCACTTAAGAAGGCGAGGCCCAGGTAAAGGACCCCGTCCCTTCCATTGCAGACAAATTGG[A>G]TCTGTGTACCGACTCCCTCCTCTAAGAAAAGGTGAGGTGCTGCCACTTCCTGAGGCCAAT-3'
Protein context (NP_000403.1, residues 446-466): GPRPFHCRQI[Gly456=]SVYRLPPLRK